The following is an entry in ClinVar:

ClinVar aggregate classification (germline): Uncertain significance (1 of 4 stars; one submission).

Conditions:
Ciliary dyskinesia, primary, 40. Also called: CILIARY DYSKINESIA, PRIMARY, 40, WITH OR WITHOUT SITUS INVERSUS. Identifiers: MedGen C4749028, MONDO:0032664, OMIM 618300.

Submission:

Johns Hopkins Genomics, Johns Hopkins University
Classification: Uncertain significance for Ciliary dyskinesia, primary, 40. Last evaluated: 2024-11-10. Review status: criteria provided, single submitter. Criteria: ACMG Guidelines, 2015. Collection method: clinical testing. Allele origin: germline.
Comment: The clinical significance of this variant is uncertain (PM2).

Literature cited by the submitters: PubMed 16773573; PubMed 32268277.

NM_001943.5(DSG2):c.136_137delinsA (p.Arg46fs)

Gene: DSG2 (desmoglein 2; plus strand). Cytogenetic location: 18q12.1.
Variant type: Indel.
Coding change: c.136_137delinsA on transcript NM_001943.5 (MANE Select); coding-DNA positions 136 to 137, CG replaced by A.
Protein change: p.Arg46fs; shifts the reading frame from arginine 46.
Molecular consequence: frameshift variant.
Genome position (GRCh38, 1-based): chr18:31,519,857-31,519,858, CG replaced by A. VCF-style: chr18-31519857-CG-A. GRCh37 (hg19) VCF-style: chr18-29099820-CG-A.
Other names: short protein forms R46fs.
Identifiers: ClinVar variation 4280107 (VCV004280107.1).